The following is an entry in ClinVar:

NM_001318895.3(FHL2):c.671G>T (p.Cys224Phe)

Genes: C2orf49 (chromosome 2 open reading frame 49; plus strand), FHL2 (four and a half LIM domains 2; minus strand). Cytogenetic location: 2q12.2.
Variant type: single nucleotide variant.
Coding change: c.671G>T on transcript NM_001318895.3 (MANE Select); coding-DNA position 671, G replaced by T.
Protein change: p.Cys224Phe; replaces cysteine 224 with phenylalanine.
Molecular consequence: missense variant.
Genome position (GRCh38, 1-based): chr2:105,363,302, C>A on the plus strand (G>T on the coding strand, the complement: FHL2 is on the minus strand). VCF-style: chr2-105363302-C-A. GRCh37 (hg19) VCF-style: chr2-105979759-C-A.
Other names: c.671G>T, p.Cys224Phe (NM_001039492.3, NM_001318894.1, NM_001318896.2 and 4 more transcripts); c.329G>T, p.Cys110Phe (NM_001318897.2, NM_001318898.2); c.347G>T, p.Cys116Phe (NM_001318899.2); short protein forms C224F, C110F, C116F.
Identifiers: ClinVar variation 179618 (VCV000179618.4), dbSNP rs727504994, ClinGen allele CA184791.
Genomic context (GRCh38, chr2:105,363,302, plus strand): 5'-AGCTTCCAATCGCCCCTGGAAATGGGAACCCCGGGACACTCACCGCTGATGGGGTTGGTG[C>A]ACCCAGCACACTTCTTGGCATACAAGTCACAGAAGCAGTTCAGGCAGTAGGCAAAGTCAT-3'
Protein context (NP_001305824.1, residues 214-234): CDLYAKKCAG[Cys224Phe]TNPISGLGGT

ClinVar aggregate classification (germline): Uncertain significance (1 of 4 stars; one submission).

Allele frequency attached by ClinVar (database versions not stated): gnomAD exomes below 0.00001.
gnomAD v4.1: 4 of 1,614,148 alleles (0.00025%); no homozygotes.

Submission:

Laboratory for Molecular Medicine, Mass General Brigham Personalized Medicine
Classification: Uncertain significance. Last evaluated: 2014-02-27. Review status: criteria provided, single submitter. Criteria: LMM Criteria. Collection method: clinical testing. Allele origin: germline. Observed: 1 variant allele.
Comment: The Cys224Phe variant in FHL2 has not been previously reported in individuals wi th cardiomyopathy or in large population studies. Computational prediction tools and conservation analysis suggest that this variant may impact the protein, tho ugh this information is not predictive enough to determine pathogenicity. Additi onal information is needed to fully assess the clinical significance of the Cys2 24Phe variant.